The following is an entry in ClinVar:

ClinVar aggregate classification (germline): Pathogenic (1 of 4 stars; one submission).

Conditions:
Cockayne syndrome. Identifiers: Orphanet 191, MedGen C0009207, MONDO:0016006.

Submission:

Women's Health and Genetics/Laboratory Corporation of America, LabCorp
Classification: Pathogenic for Cockayne syndrome. Last evaluated: 2026-03-10. Review status: criteria provided, single submitter. Criteria: LabCorp Variant Classification Summary - May 2015. Collection method: clinical testing. Allele origin: germline.
Comment: Variant summary: The variant involves the deletion of exons 1-2 in the ERCC8 gene. A presumed nomenclature of c.(?_-63)_(173+1_174-1)del has been designated for the purposes of this classification. The exact breakpoint at the 5' end of this variant is unknown, therefore this deletion may extend upstream of the annotated region of this gene. Although the exact breakpoints of this deletion are not known, it is predicted to remove the initiation codon and result in an absence of protein or a truncation of the encoded protein due to translation initiation at a downstream site. Loss-of-function variants in this gene are known to be pathogenic. The variant was absent in 21694 control chromosomes. To our knowledge, no occurrence of c.(?_-63)_(173+1_174-1)del in individuals affected with ERCC8-related conditions and no experimental evidence demonstrating its impact on protein function have been reported. ClinVar contains an entry for this variant (Variation ID: 3246431). Based on the evidence outlined above, the variant was classified as pathogenic.

NC_000005.9:g.(60217983_60224690)_(60240898_?)del

Gene: ERCC8 (ERCC excision repair 8, CSA ubiquitin ligase complex subunit; minus strand). Cytogenetic location: 5q12.1.
Variant type: Deletion.
Identifiers: ClinVar variation 4847360 (VCV004847360.1).